The following is an entry in ClinVar:

ClinVar aggregate classification (germline): Uncertain significance (1 of 4 stars; one submission).

Allele frequency attached by ClinVar (database versions not stated): TOPMed below 0.00001; ExAC 0.00001; gnomAD 0.00001; gnomAD exomes 0.00001; 1000 Genomes Project 30x 0.00016; 1000 Genomes Project 0.00020.
gnomAD v4.1: 2 of 1,611,896 alleles (0.00012%); highest among the groups gnomAD compares: African/African-American, 0.0027%; no homozygotes.

Submission:

GeneDx
Classification: Uncertain significance. Last evaluated: 2019-07-16. Review status: criteria provided, single submitter. Criteria: GeneDx Variant Classification Process June 2021. Collection method: clinical testing. Allele origin: germline. Affected: yes.
Comment: Has not been previously published as pathogenic or benign to our knowledge; Not observed at a significant frequency in large population cohorts (Lek et al., 2016); In silico analysis, which includes protein predictors and evolutionary conservation, supports a deleterious effect

NM_000719.7(CACNA1C):c.230G>T (p.Ser77Ile)

Gene: CACNA1C (calcium voltage-gated channel subunit alpha1 C; plus strand). Cytogenetic location: 12p13.33.
Variant type: single nucleotide variant.
Coding change: c.230G>T on transcript NM_000719.7 (MANE Select); coding-DNA position 230, G replaced by T.
Protein change: p.Ser77Ile; replaces serine 77 with isoleucine.
Molecular consequence: missense variant.
Genome position (GRCh38, 1-based): chr12:2,115,404, G>T. VCF-style: chr12-2115404-G-T. GRCh37 (hg19) VCF-style: chr12-2224570-G-T.
Other names: c.230G>T, p.Ser77Ile (NM_001129827.2, NM_001129829.2, NM_001129830.3 and 19 more transcripts); short protein forms S77I.
Identifiers: ClinVar variation 1304802 (VCV001304802.2), dbSNP rs536377458, ClinGen allele CA6388406.
Genomic context (GRCh38, chr12:2,115,404, plus strand): 5'-ACGCAGCCCGGCAGGCTAAGCTGATGGGCAGCGCTGGCAATGCGACCATCTCCACAGTCA[G>T]CTCCACGCAGCGGAAGCGGCAGCAATATGGGAAACCCAAGAAGCAGGGCAGCACCACGGC-3'
Protein context (NP_000710.5, residues 67-87): SAGNATISTV[Ser77Ile]STQRKRQQYG